The following is an entry in ClinVar:

NM_001394998.1(TANC2):c.4741C>A (p.His1581Asn)

Gene: TANC2 (tetratricopeptide repeat, ankyrin repeat and coiled-coil containing 2; plus strand). Cytogenetic location: 17q23.3.
Variant type: single nucleotide variant.
Coding change: c.4741C>A on transcript NM_001394998.1 (MANE Select); coding-DNA position 4741, C replaced by A.
Protein change: p.His1581Asn; replaces histidine 1581 with asparagine.
Molecular consequence: missense variant.
Genome position (GRCh38, 1-based): chr17:63,420,471, C>A. VCF-style: chr17-63420471-C-A. GRCh37 (hg19) VCF-style: chr17-61497832-C-A.
Other names: c.4519C>A, p.His1507Asn (NM_001411076.1); c.4489C>A, p.His1497Asn (NM_025185.4); short protein forms H1497N, H1507N, H1581N.
Identifiers: ClinVar variation 3339071 (VCV003339071.1).
Genomic context (GRCh38, chr17:63,420,471, plus strand): 5'-CCCACTAGACAGACCTATCAGTCCACCTCACCTGCCCTTTCTCCAACTCATCAGAACTCA[C>A]ATTACAGGCCTAGCCCACCACACACTTCCCCGGCTCATCAGGGAGGATCTTACCGTTTCA-3'
Protein context (NP_001381927.1, residues 1571-1591): PALSPTHQNS[His1581Asn]YRPSPPHTSP

ClinVar aggregate classification (germline): Uncertain significance (1 of 4 stars; one submission).

gnomAD v4.1: 1 of 1,614,012 alleles (0.000062%); highest among the groups gnomAD compares: Non-Finnish European, 0.000085%; no homozygotes.

Submission:

Women's Health and Genetics/Laboratory Corporation of America, LabCorp
Classification: Uncertain significance. Last evaluated: 2024-07-08. Review status: criteria provided, single submitter. Criteria: LabCorp Variant Classification Summary - May 2015. Collection method: clinical testing. Allele origin: germline.
Comment: Variant summary: TANC2 c.4489C>A (p.His1497Asn) results in a conservative amino acid change in the encoded protein sequence. Four of five in-silico tools predict a benign effect of the variant on protein function. The variant allele was found at a frequency of 4e-06 in 249136 control chromosomes. The available data on variant occurrences in the general population are insufficient to allow any conclusion about variant significance. To our knowledge, no occurrence of c.4489C>A in individuals affected with Intellectual Developmental Disorder With Autistic Features And Language Delay, With Or Without Seizures and no experimental evidence demonstrating its impact on protein function have been reported. No submitters have cited clinical-significance assessments for this variant to ClinVar. Based on the evidence outlined above, the variant was classified as uncertain significance.